The following is an entry in ClinVar:

NM_001271893.4(TWIST2):c.68A>C (p.Glu23Ala)

Gene: TWIST2 (twist family bHLH transcription factor 2; plus strand). Cytogenetic location: 2q37.3.
Variant type: single nucleotide variant.
Coding change: c.68A>C on transcript NM_001271893.4 (MANE Select); coding-DNA position 68, A replaced by C.
Protein change: p.Glu23Ala; replaces glutamic acid 23 with alanine.
Molecular consequence: missense variant.
Genome position (GRCh38, 1-based): chr2:238,848,283, A>C. VCF-style: chr2-238848283-A-C. GRCh37 (hg19) VCF-style: chr2-239756924-A-C.
Other names: c.68A>C, p.Glu23Ala (NM_057179.3); short protein forms E23A.
Identifiers: ClinVar variation 1524901 (VCV001524901.6), dbSNP rs2106345702, ClinGen allele CA351462519.

ClinVar aggregate classification (germline): Uncertain significance (1 of 4 stars; one submission).

Submission:

Labcorp Genetics (formerly Invitae), Labcorp
Classification: Uncertain significance. Last evaluated: 2021-10-13. Review status: criteria provided, single submitter. Criteria: Invitae Variant Classification Sherloc (09022015). Collection method: clinical testing. Allele origin: germline.
Comment: This sequence change replaces glutamic acid with alanine at codon 23 of the TWIST2 protein (p.Glu23Ala). The glutamic acid residue is moderately conserved and there is a moderate physicochemical difference between glutamic acid and alanine. The frequency data for this variant in the population databases is considered unreliable, as metrics indicate insufficient coverage at this position in the ExAC database. This variant has not been reported in the literature in individuals affected with TWIST2-related conditions. Algorithms developed to predict the effect of missense changes on protein structure and function (SIFT, PolyPhen-2, Align-GVGD) all suggest that this variant is likely to be tolerated. In summary, the available evidence is currently insufficient to determine the role of this variant in disease. Therefore, it has been classified as a Variant of Uncertain Significance.